The following is an entry in ClinVar:

ClinVar aggregate classification (germline): Likely benign (0 of 4 stars; one submission).

Conditions:
LAGE3-related disorder. Also called: LAGE3-related condition.

gnomAD v4.1: 21 of 1,209,765 alleles (0.0017%); highest among the groups gnomAD compares: South Asian, 0.037%; no homozygotes.

Submission:

PreventionGenetics, part of Exact Sciences
Classification: Likely benign for LAGE3-related condition. Last evaluated: 2024-08-12. Review status: no assertion criteria provided. Collection method: clinical testing. Allele origin: germline.
Comment: This variant is classified as likely benign based on ACMG/AMP sequence variant interpretation guidelines (Richards et al. 2015 PMID: 25741868, with internal and published modifications).

NM_006014.5(LAGE3):c.267C>T (p.His89=)

Gene: LAGE3 (L antigen family member 3; minus strand). Cytogenetic location: Xq28.
Variant type: single nucleotide variant.
Coding change: c.267C>T on transcript NM_006014.5 (MANE Select); coding-DNA position 267, C replaced by T.
Protein change: p.His89=; no amino-acid change (histidine 89 retained).
Molecular consequence: synonymous variant.
Genome position (GRCh38, 1-based): chrX:154,478,333, G>A on the plus strand (C>T on the coding strand, the complement: LAGE3 is on the minus strand). VCF-style: chrX-154478333-G-A. GRCh37 (hg19) VCF-style: chrX-153706672-G-A.
Identifiers: ClinVar variation 3345610 (VCV003345610.1).